The following is an entry in ClinVar:

NM_015089.4(CUL9):c.1122C>T (p.Gly374=)

Gene: CUL9 (cullin 9; plus strand). Cytogenetic location: 6p21.1.
Variant type: single nucleotide variant.
Coding change: c.1122C>T on transcript NM_015089.4 (MANE Select); coding-DNA position 1122, C replaced by T.
Protein change: p.Gly374=; no amino-acid change (glycine 374 retained).
Molecular consequence: synonymous variant.
Genome position (GRCh38, 1-based): chr6:43,186,326, C>T. VCF-style: chr6-43186326-C-T. GRCh37 (hg19) VCF-style: chr6-43154064-C-T.
Identifiers: ClinVar variation 3038162 (VCV003038162.2), dbSNP rs79828871, ClinGen allele CA3817214.

ClinVar aggregate classification (germline): Benign (0 of 4 stars; one submission).

Conditions:
CUL9-related disorder. Also called: CUL9-related condition.

Allele frequency attached by ClinVar (database versions not stated): gnomAD exomes 0.00291; ExAC 0.00966; gnomAD 0.03014; ESP Exome Variant Server 0.03391; TOPMed 0.03516; 1000 Genomes Project 0.03734; 1000 Genomes Project 30x 0.03795.

Submission:

PreventionGenetics, part of Exact Sciences
Classification: Benign for CUL9-related condition. Last evaluated: 2020-02-18. Review status: no assertion criteria provided. Collection method: clinical testing. Allele origin: germline.
Comment: This variant is classified as benign based on ACMG/AMP sequence variant interpretation guidelines (Richards et al. 2015 PMID: 25741868, with internal and published modifications).